The following is an entry in ClinVar:

ClinVar aggregate classification (germline): Uncertain significance (1 of 4 stars; one submission).

Conditions:
Very long chain acyl-CoA dehydrogenase deficiency (ACADVLD). Also called: Very Long-Chain Acyl-Coenzyme A Dehydrogenase Deficiency; VLCAD Deficiency. Identifiers: Orphanet 26793, MedGen C3887523, MONDO:0008723, OMIM 201475.

Submission:

Wong Mito Lab, Molecular and Human Genetics, Baylor College of Medicine
Classification: Uncertain significance for Very long chain acyl-CoA dehydrogenase deficiency. Last evaluated: 2019-11-01. Review status: criteria provided, single submitter. Criteria: ACMG Guidelines, 2015. Collection method: clinical testing. Allele origin: germline.
Comment: The NM_000018.3:c.1813A>C (NP_000009.1:p.Thr605Pro) [GRCH38: NC_000017.11:g.7224870A>C] variant in ACADVL gene is interpretated to be Uncertain Significance based on ACMG guidelines (PMID: 25741868). This variant has been reported. This variant dose not meet any evidence codes reported in the ACMG guidelines.

NM_000018.4(ACADVL):c.1813A>C (p.Thr605Pro)

Gene: ACADVL (acyl-CoA dehydrogenase very long chain; plus strand). Cytogenetic location: 17p13.1.
Variant type: single nucleotide variant.
Coding change: c.1813A>C on transcript NM_000018.4 (MANE Select); coding-DNA position 1813, A replaced by C.
Protein change: p.Thr605Pro; replaces threonine 605 with proline.
Molecular consequence: missense variant.
Genome position (GRCh38, 1-based): chr17:7,224,870, A>C. VCF-style: chr17-7224870-A-C. GRCh37 (hg19) VCF-style: chr17-7128189-A-C.
Other names: c.1747A>C, p.Thr583Pro (NM_001033859.3); c.1882A>C, p.Thr628Pro (NM_001270447.2); c.1585A>C, p.Thr529Pro (NM_001270448.2); short protein forms T605P, T583P, T628P, T529P.
Identifiers: ClinVar variation 932777 (VCV000932777.2), dbSNP rs2071404097, ClinGen allele CA397725943.